The following is an entry in ClinVar:

ClinVar aggregate classification (germline): Uncertain significance. Review status: criteria provided, multiple submitters, no conflicts (2 of 4 stars). 3 submissions from 3 submitters: Uncertain significance (2). 1 of the submissions does not count toward it. Last evaluated 2024-07-24.

Conditions:
Hereditary cancer-predisposing syndrome. Also called: Tumor predisposition; Hereditary neoplastic syndrome; Hereditary Cancer Syndrome; Neoplastic Syndromes, Hereditary. Identifiers: Orphanet 140162, MedGen C0027672, MeSH D009386, MONDO:0015356.
Hereditary breast ovarian cancer syndrome. Also called: Hereditary breast and ovarian cancer syndrome; Hereditary breast and ovarian cancer; Hereditary breast and ovarian cancer syndrome (HBOC); BRCA1- and BRCA2-Associated Hereditary Breast and Ovarian Cancer; Hereditary breast and/or ovarian cancer syndrome; Breast and ovarian cancer. Identifiers: Orphanet 145, MedGen C0677776, MeSH D061325, MONDO:0003582. Disease mechanism: loss of function.
Malignant tumor of breast. Also called: Malignant breast neoplasm; Cancer breast. Identifiers: MedGen C0006142, MONDO:0007254. Disease mechanism: loss of function.

Submissions (3):

Labcorp Genetics (formerly Invitae), Labcorp
Classification: Uncertain significance for Hereditary breast ovarian cancer syndrome. Last evaluated: 2024-07-24. Review status: criteria provided, single submitter. Criteria: Invitae Variant Classification Sherloc (09022015). Collection method: clinical testing. Allele origin: germline.
Comment: This sequence change falls in intron 5 of the BRCA2 gene. It does not directly change the encoded amino acid sequence of the BRCA2 protein. It affects a nucleotide within the consensus splice site. This variant is not present in population databases (gnomAD no frequency). This variant has not been reported in the literature in individuals affected with BRCA2-related conditions. ClinVar contains an entry for this variant (Variation ID: 1049119). Variants that disrupt the consensus splice site are a relatively common cause of aberrant splicing (PMID: 17576681, 9536098). Algorithms developed to predict the effect of sequence changes on RNA splicing suggest that this variant may disrupt the consensus splice site. This variant disrupts the c.475+5G nucleotide in the BRCA2 gene. Other variant(s) that disrupt this nucleotide have been determined to be pathogenic (PMID: 33011440). This suggests that this nucleotide is clinically significant, and that variants that disrupt this position are likely to be disease-causing. In summary, the available evidence is currently insufficient to determine the role of this variant in disease. Therefore, it has been classified as a Variant of Uncertain Significance.

Ambry Genetics
Classification: Uncertain significance for Hereditary cancer-predisposing syndrome. Last evaluated: 2021-09-17. Review status: criteria provided, single submitter. Criteria: Ambry Variant Classification Scheme 2023. Collection method: clinical testing. Allele origin: germline.
Comment: The c.475+5G>A intronic variant results from a G to A substitution 5 nucleotides after coding exon 4 in the BRCA2 gene. This nucleotide position is highly conserved in available vertebrate species. In silico splice site analysis for this alteration is inconclusive. RNA studies have demonstrated that this alteration results in an splice defect involving exons excluded from naturally occurring transcripts; the clinical impact of this abnormal splicing is unknown at this time (Ambry internal data). Since supporting evidence is limited at this time, the clinical significance of this alteration remains unclear.

Department of Pathology and Laboratory Medicine, Sinai Health System
Classification: Uncertain significance for Malignant tumor of breast. Review status: no assertion criteria provided. Collection method: clinical testing. Allele origin: unknown. Affected: yes. Study: The Canadian Open Genetics Repository (COGR). Not counted in ClinVar's aggregate classification.
Comment: The BRCA2 c.475+5G>A variant was not identified in the literature nor was it identified in the dbSNP, ClinVar, LOVD 3.0, UMD-LSDB, the Exome Aggregation Consortium (August 8th 2016), or the Genome Aggregation Database (Feb 27, 2017). The c.475+5G>A variant is located in the 5' splice region but does not affect the invariant +1 and +2 positions. However, positions +3 to +6 are part of the splicing consensus sequence and variants involving these positions sometimes affect splicing. In addition, 2 of 4 in silico or computational prediction software programs (SpliceSiteFinder, MaxEntScan, NNSPLICE, GeneSplicer) predict a greater than 10% difference in splicing; this is not very predictive of pathogenicity. In summary, based on the above information the clinical significance of this variant cannot be determined with certainty at this time. This variant is classified as a variant of uncertain significance.

Literature cited by the submitters: PubMed 17576681 (cited by Labcorp Genetics (formerly Invitae), Labcorp); PubMed 9536098 (cited by Labcorp Genetics (formerly Invitae), Labcorp); PubMed 33011440 (cited by Labcorp Genetics (formerly Invitae), Labcorp).

NM_000059.4(BRCA2):c.475+5G>A

Gene: BRCA2 (BRCA2 DNA repair associated; plus strand). Cytogenetic location: 13q13.1.
Variant type: single nucleotide variant.
Coding change: c.475+5G>A on transcript NM_000059.4 (MANE Select); 5 bases into the intron after coding-DNA position 475, G replaced by A.
Molecular consequence: intron variant.
Genome position (GRCh38, 1-based): chr13:32,326,155, G>A. VCF-style: chr13-32326155-G-A. GRCh37 (hg19) VCF-style: chr13-32900292-G-A.
Identifiers: ClinVar variation 1049119 (VCV001049119.6), dbSNP rs730881504, ClinGen allele CA2499222030.